The following is an entry in ClinVar:

NM_182961.4(SYNE1):c.13901A>G (p.Asn4634Ser)

Gene: SYNE1 (spectrin repeat containing nuclear envelope protein 1; minus strand). Cytogenetic location: 6q25.2.
Variant type: single nucleotide variant.
Coding change: c.13901A>G on transcript NM_182961.4 (MANE Select); coding-DNA position 13901, A replaced by G.
Protein change: p.Asn4634Ser; replaces asparagine 4634 with serine.
Molecular consequence: missense variant.
Genome position (GRCh38, 1-based): chr6:152,330,784, T>C on the plus strand (A>G on the coding strand, the complement: SYNE1 is on the minus strand). VCF-style: chr6-152330784-T-C. GRCh37 (hg19) VCF-style: chr6-152651919-T-C.
Other names: c.13688A>G, p.Asn4563Ser (NM_033071.5); short protein forms N4563S, N4634S.
Identifiers: ClinVar variation 598013 (VCV000598013.14), dbSNP rs1362233016, ClinGen allele CA366099414.

ClinVar aggregate classification (germline): Uncertain significance. Review status: criteria provided, multiple submitters, no conflicts (2 of 4 stars). 4 submissions from 4 submitters: Uncertain significance (4). Last evaluated 2024-04-01.

Conditions:
Autosomal recessive ataxia, Beauce type. Also called: Spinocerebellar ataxia, autosomal recessive 8; ATAXIA, RECESSIVE, OF BEAUCE; SYNE1 Deficiency; SYNE1-Related Autosomal Recessive Cerebellar Ataxia. Identifiers: Orphanet 88644, MedGen C1853116, MONDO:0012549, OMIM 610743.
Emery-Dreifuss muscular dystrophy 4, autosomal dominant (EDMD4). Also called: EMERY-DREIFUSS MUSCULAR DYSTROPHY 4 WITH VARIABLE FEATURES. Identifiers: Orphanet 261, MedGen C2751807, MONDO:0013071, OMIM 612998.

Allele frequency attached by ClinVar (database versions not stated): gnomAD 0.00001; gnomAD exomes 0.00001; TOPMed 0.00001.
gnomAD v4.1: 13 of 1,613,846 alleles (0.00081%); highest among the groups gnomAD compares: South Asian, 0.0011%; no homozygotes.

Submissions (4):

Revvity Omics, Revvity
Classification: Uncertain significance. Last evaluated: 2024-04-01. Review status: criteria provided, single submitter. Criteria: ACMG Guidelines, 2015. Collection method: clinical testing. Allele origin: germline.

Athena Diagnostics
Classification: Uncertain significance. Last evaluated: 2022-07-29. Review status: criteria provided, single submitter. Criteria: Athena Diagnostics Criteria. Collection method: clinical testing. Allele origin: unknown.

Labcorp Genetics (formerly Invitae), Labcorp
Classification: Uncertain significance for Emery-Dreifuss muscular dystrophy 4, autosomal dominant; Autosomal recessive ataxia, Beauce type. Last evaluated: 2021-08-31. Review status: criteria provided, single submitter. Criteria: Invitae Variant Classification Sherloc (09022015). Collection method: clinical testing. Allele origin: germline.
Comment: This sequence change replaces asparagine with serine at codon 4563 of the SYNE1 protein (p.Asn4563Ser). The asparagine residue is highly conserved and there is a small physicochemical difference between asparagine and serine. This variant is not present in population databases (ExAC no frequency). This variant has not been reported in the literature in individuals affected with SYNE1-related conditions. Algorithms developed to predict the effect of missense changes on protein structure and function output the following: SIFT: "Deleterious"; PolyPhen-2: "Possibly Damaging"; Align-GVGD: "Class C45". The serine amino acid residue is found in multiple mammalian species, which suggests that this missense change does not adversely affect protein function. In summary, the available evidence is currently insufficient to determine the role of this variant in disease. Therefore, it has been classified as a Variant of Uncertain Significance.

Eurofins Ntd Llc (ga)
Classification: Uncertain significance. Last evaluated: 2018-07-13. Review status: criteria provided, single submitter. Criteria: EGL ClinVar v180209 classification definitions. Collection method: clinical testing. Allele origin: germline. Observed: 1 variant allele, 1 heterozygote.